The following is an entry in ClinVar:

NM_201384.3(PLEC):c.1912G>A (p.Glu638Lys)

Gene: PLEC (plectin; minus strand). Cytogenetic location: 8q24.3.
Variant type: single nucleotide variant.
Coding change: c.1912G>A on transcript NM_201384.3 (MANE Select); coding-DNA position 1912, G replaced by A.
Protein change: p.Glu638Lys; replaces glutamic acid 638 with lysine.
Molecular consequence: missense variant.
Genome position (GRCh38, 1-based): chr8:143,932,465, C>T on the plus strand (G>A on the coding strand, the complement: PLEC is on the minus strand). VCF-style: chr8-143932465-C-T. GRCh37 (hg19) VCF-style: chr8-145006633-C-T.
Other names: c.1870G>A, p.Glu624Lys (NM_201378.4); c.1846G>A, p.Glu616Lys (NM_201379.3); c.2323G>A, p.Glu775Lys (NM_201380.4); c.1816G>A, p.Glu606Lys (NM_201381.3); c.1912G>A, p.Glu638Lys (NM_201382.4); c.1924G>A, p.Glu642Lys (NM_201383.3); c.1993G>A, p.Glu665Lys (NM_000445.5, NM_001410941.1); short protein forms E606K, E616K, E624K, E638K, E642K, E665K, E775K.
Identifiers: ClinVar variation 3751704 (VCV003751704.2).

ClinVar aggregate classification (germline): Uncertain significance (1 of 4 stars; one submission).

Conditions:
Epidermolysis bullosa simplex with nail dystrophy (EBS5D). Identifiers: MedGen C4225309, MONDO:0014661, OMIM 616487.
Epidermolysis bullosa simplex, Ogna type (EBS5A). Also called: Pidermolysis bullosa simplex 5A, Ogna type; EPIDERMOLYSIS BULLOSA SIMPLEX 5A, OGNA TYPE. Identifiers: Orphanet 79401, MedGen C0432317, MONDO:0007555, OMIM 131950.
Autosomal recessive limb-girdle muscular dystrophy type 2Q (LGMDR17). Also called: MUSCULAR DYSTROPHY, LIMB-GIRDLE, AUTOSOMAL RECESSIVE 17. Identifiers: Orphanet 254361, MedGen C3150989, MONDO:0013390, OMIM 613723.
Epidermolysis bullosa simplex 5B, with muscular dystrophy (EBS5B). Also called: EPIDERMOLYSIS BULLOSA SIMPLEX AND LIMB-GIRDLE MUSCULAR DYSTROPHY; Epidermolysis bullosa simplex with muscular dystrophy. Identifiers: Orphanet 257, MedGen C2931072, MONDO:0009181, OMIM 226670.
Epidermolysis bullosa simplex 5C, with pyloric atresia (EBS5C). Also called: PLEC-Related Epidermolysis Bullosa with Pyloric Atresia; Epidermolysis bullosa simplex with pyloric atresia; PLEC1-Related Epidermolysis Bullosa with Pyloric Atresia. Identifiers: Orphanet 158684, MedGen C2677349, MONDO:0012807, OMIM 612138.

gnomAD v4.1: 2 of 1,612,814 alleles (0.00012%); highest among the groups gnomAD compares: Middle Eastern, 0.016%; no homozygotes.

Submission:

Labcorp Genetics (formerly Invitae), Labcorp
Classification: Uncertain significance for Autosomal recessive limb-girdle muscular dystrophy type 2Q; Epidermolysis bullosa simplex, Ogna type; Epidermolysis bullosa simplex with nail dystrophy; Epidermolysis bullosa simplex 5C, with pyloric atresia; Epidermolysis bullosa simplex 5B, with muscular dystrophy. Last evaluated: 2025-06-23. Review status: criteria provided, single submitter. Criteria: Invitae Variant Classification Sherloc (09022015). Collection method: clinical testing. Allele origin: germline.
Comment: This sequence change replaces glutamic acid, which is acidic and polar, with lysine, which is basic and polar, at codon 665 of the PLEC protein (p.Glu665Lys). This variant is not present in population databases (gnomAD no frequency). This variant has not been reported in the literature in individuals affected with PLEC-related conditions. ClinVar contains an entry for this variant (Variation ID: 3751704). Invitae Evidence Modeling of protein sequence and biophysical properties (such as structural, functional, and spatial information, amino acid conservation, physicochemical variation, residue mobility, and thermodynamic stability) indicates that this missense variant is not expected to disrupt PLEC protein function with a negative predictive value of 80%. In summary, the available evidence is currently insufficient to determine the role of this variant in disease. Therefore, it has been classified as a Variant of Uncertain Significance.